The following is an entry in ClinVar:

NM_002180.3(IGHMBP2):c.2362C>T (p.Arg788Ter)

Gene: IGHMBP2 (immunoglobulin mu DNA binding protein 2; plus strand). Cytogenetic location: 11q13.3.
Variant type: single nucleotide variant.
Coding change: c.2362C>T on transcript NM_002180.3 (MANE Select); coding-DNA position 2362, C replaced by T.
Protein change: p.Arg788Ter; replaces arginine 788 with a stop codon.
Molecular consequence: nonsense.
Genome position (GRCh38, 1-based): chr11:68,936,842, C>T. VCF-style: chr11-68936842-C-T. GRCh37 (hg19) VCF-style: chr11-68704310-C-T.
Other names: short protein forms R788*.
Identifiers: ClinVar variation 637262 (VCV000637262.58), dbSNP rs199839840, ClinGen allele CA6153891.
Genomic context (GRCh38, chr11:68,936,842, plus strand): 5'-AGGCACGACAGTTCCGGGGAAGGGAAGAGGAGGTTCATCACTGTGAGCAAGAGGGCCCCG[C>T]GACCCCGAGCAGCCCTGGGACCCCCAGCAGGGACCGGTGGCCCAGCCCCTCTCCAGCCAG-3'

ClinVar aggregate classification (germline): Pathogenic/Likely pathogenic. Review status: criteria provided, multiple submitters, no conflicts (2 of 4 stars). 13 submissions from 13 submitters: Pathogenic (6); Likely pathogenic (1). 6 of the submissions do not count toward it. Last evaluated 2024-11-20.

Conditions:
Charcot-Marie-Tooth disease. Also called: Charcot-Marie-Tooth Hereditary Neuropathy; Charcot-Marie-Tooth Neuropathy. Identifiers: Orphanet 166, MedGen C0007959, MONDO:0015626.
Neuronopathy, distal hereditary motor, autosomal dominant. Also called: Autosomal dominant distal hereditary motor neuropathy. Identifiers: Orphanet 140465, MedGen C5548212, MONDO:0015362.
Autosomal recessive distal spinal muscular atrophy 1. Also called: NEURONOPATHY, SEVERE INFANTILE AXONAL, WITH RESPIRATORY FAILURE; SEVERE INFANTILE AXONAL NEUROPATHY WITH RESPIRATORY FAILURE; SPINAL MUSCULAR ATROPHY, DIAPHRAGMATIC; Spinal muscular atrophy with respiratory distress 1; NEURONOPATHY, DISTAL HEREDITARY MOTOR, HARDING TYPE VI; NEUROPATHY, DISTAL HEREDITARY MOTOR, AUTOSOMAL RECESSIVE 1. Identifiers: Orphanet 98920, MedGen C1858517, MONDO:0011436, OMIM 604320.
Charcot-Marie-Tooth disease axonal type 2S. Also called: CHARCOT-MARIE-TOOTH DISEASE, AXONAL, AUTOSOMAL RECESSIVE, TYPE 2S; CHARCOT-MARIE-TOOTH NEUROPATHY, TYPE 2S. Identifiers: Orphanet 443073, MedGen C4015349, MONDO:0014511, OMIM 616155.

Allele frequency attached by ClinVar (database versions not stated): gnomAD 0.00001; TOPMed 0.00002; ExAC 0.00003; gnomAD exomes 0.00003 and 0.00004; ESP Exome Variant Server 0.00008.
gnomAD v4.1: 40 of 1,613,322 alleles (0.0025%); highest among the groups gnomAD compares: Admixed American, 0.005%; no homozygotes.

Submissions (13):

Women's Health and Genetics/Laboratory Corporation of America, LabCorp
Classification: Pathogenic for Autosomal recessive distal spinal muscular atrophy 1. Last evaluated: 2024-11-20. Review status: criteria provided, single submitter. Criteria: LabCorp Variant Classification Summary - May 2015. Collection method: clinical testing. Allele origin: germline.
Comment: Variant summary: IGHMBP2 c.2362C>T (p.Arg788X) results in a premature termination codon, predicted to cause absence of the protein due to nonsense mediated decay, which is a commonly known mechanism for disease. The variant allele was found at a frequency of 3.6e-05 in 248896 control chromosomes (gnomAD). c.2362C>T has been reported in the literature in individuals affected with Autosomal Recessive Distal Spinal Muscular Atrophy 1 or with Charcot-Marie-Tooth disease (e.g. Viguier_2019, Liu_2024). The following publications have been ascertained in the context of this evaluation (PMID: 30598237, 38772550). ClinVar contains an entry for this variant (Variation ID: 637262). Based on the evidence outlined above, the variant was classified as pathogenic.

Dasa
Classification: Pathogenic. Last evaluated: 2024-11-02. Review status: criteria provided, single submitter. Criteria: DASA Assertion Criteria. Collection method: clinical testing. Allele origin: germline.
Comment: NM_002180.3(IGHMBP2):c.2362C>T (p.Arg788*) introduces a premature termination codon predicted to result in loss of normal protein function. Loss-of-function is an established mechanism of disease for this gene. This variant has been observed in affected individuals with related phenotype in a genotype context consistent with recessive disease (PMID: 14681881; PMID: 20859832; PMID: 23449687; PMID: 29761130). This variant has been recurrently observed in individuals with related phenotype (PMID: 14681881; PMID: 20859832; PMID: 23449687; PMID: 29761130). The variant is present at low frequency in population datasets. Based on the available data, this variant is classified as pathogenic.

Labcorp Genetics (formerly Invitae), Labcorp
Classification: Pathogenic for Autosomal recessive distal spinal muscular atrophy 1; Charcot-Marie-Tooth disease axonal type 2S. Last evaluated: 2024-03-03. Review status: criteria provided, single submitter. Criteria: Invitae Variant Classification Sherloc (09022015). Collection method: clinical testing. Allele origin: germline.
Comment: This sequence change creates a premature translational stop signal (p.Arg788*) in the IGHMBP2 gene. It is expected to result in an absent or disrupted protein product. Loss-of-function variants in IGHMBP2 are known to be pathogenic (PMID: 14681881, 25439726, 25568292). This variant is present in population databases (rs199839840, gnomAD 0.01%). This premature translational stop signal has been observed in individual(s) with spinal muscular atrophy with respiratory distress type 1 (PMID: 14681881, 20859832, 23449687, 29761130). ClinVar contains an entry for this variant (Variation ID: 637262). For these reasons, this variant has been classified as Pathogenic.

Revvity Omics, Revvity
Classification: Pathogenic. Last evaluated: 2022-11-22. Review status: criteria provided, single submitter. Criteria: ACMG Guidelines, 2015. Collection method: clinical testing. Allele origin: germline.

GeneDx
Classification: Pathogenic. Last evaluated: 2022-09-29. Review status: criteria provided, single submitter. Criteria: GeneDx Variant Classification Process June 2021. Collection method: clinical testing. Allele origin: germline. Affected: yes.
Comment: Identified in the presence of a second IGHMBP2 variant, phase unknown, in patients with clinical features consistent with SMARD1 in the published literature (Grohmann et al., 2003; Chiu et al., 2018); Nonsense variant predicted to result in protein truncation or nonsense mediated decay in a gene for which loss-of-function is a known mechanism of disease; Not observed at significant frequency in large population cohorts (gnomAD); This variant is associated with the following publications: (PMID: 21827898, 15248100, 26354092, 20859832, 25525159, 14681881, 32028661, 29761130)

CeGaT Center for Human Genetics Tuebingen
Classification: Pathogenic. Last evaluated: 2020-11-01. Review status: criteria provided, single submitter. Criteria: CeGaT Center For Human Genetics Tuebingen Variant Classification Criteria Version 2. Collection method: clinical testing. Allele origin: germline. Affected: yes. Observed: 1 variant allele.

Laboratorio de Genetica e Diagnostico Molecular, Hospital Israelita Albert Einstein
Classification: Likely pathogenic. Last evaluated: 2019-09-17. Review status: criteria provided, single submitter. Criteria: ACMG Guidelines, 2015. Collection method: clinical testing. Allele origin: germline. Affected: yes.
Comment: ACMG classification criteria: PVS1, PM2

Biochemical Molecular Genetic Laboratory, King Abdulaziz Medical City
Classification: Likely pathogenic for Autosomal recessive distal spinal muscular atrophy 1. Last evaluated: 2019-09-26. Review status: no assertion criteria provided. Collection method: clinical testing. Allele origin: germline. Affected: yes. Not counted in ClinVar's aggregate classification.

Genesis Genome Database
Classification: Uncertain significance for Charcot-Marie-Tooth disease. Last evaluated: 2019-08-14. Review status: no assertion criteria provided. Collection method: research. Allele origin: germline. Affected: yes. Not counted in ClinVar's aggregate classification.

Clinical Genetics, Academic Medical Center
Classification: Pathogenic. Review status: no assertion criteria provided. Collection method: clinical testing. Allele origin: germline. Affected: yes. Study: VKGL Data-share Consensus. Not counted in ClinVar's aggregate classification.

Inherited Neuropathy Consortium
Classification: Uncertain significance for Autosomal dominant distal hereditary motor neuropathy. Review status: no assertion criteria provided. Collection method: literature only. Allele origin: germline. Affected: yes. Not counted in ClinVar's aggregate classification.

Joint Genome Diagnostic Labs from Nijmegen and Maastricht, Radboudumc and MUMC+
Classification: Pathogenic. Review status: no assertion criteria provided. Collection method: clinical testing. Allele origin: germline. Affected: yes. Study: VKGL Data-share Consensus. Not counted in ClinVar's aggregate classification.

Next Generation Genetic Polyclinic
Classification: Pathogenic for Charcot-Marie-Tooth disease axonal type 2S. Review status: no assertion criteria provided. Collection method: clinical testing. Allele origin: inherited. Affected: yes. Not counted in ClinVar's aggregate classification.

Literature cited by the submitters: PubMed 30598237 (cited by Women's Health and Genetics/Laboratory Corporation of America, LabCorp); PubMed 38772550 (cited by Women's Health and Genetics/Laboratory Corporation of America, LabCorp); PubMed 14681881 (cited by 3 submitters); PubMed 20859832 (cited by Dasa and Labcorp Genetics (formerly Invitae), Labcorp); PubMed 23449687 (cited by Dasa and Labcorp Genetics (formerly Invitae), Labcorp); PubMed 29761130 (cited by Dasa and Labcorp Genetics (formerly Invitae), Labcorp); PubMed 25439726 (cited by Labcorp Genetics (formerly Invitae), Labcorp); PubMed 25568292 (cited by Labcorp Genetics (formerly Invitae), Labcorp).